The following is an entry in ClinVar:

NM_001042492.3(NF1):c.171C>T (p.Gly57=)

Gene: NF1 (neurofibromin 1; plus strand). Cytogenetic location: 17q11.2.
Variant type: single nucleotide variant.
Coding change: c.171C>T on transcript NM_001042492.3 (MANE Select); coding-DNA position 171, C replaced by T.
Protein change: p.Gly57=; no amino-acid change (glycine 57 retained).
Molecular consequence: synonymous variant.
Genome position (GRCh38, 1-based): chr17:31,156,093, C>T. VCF-style: chr17-31156093-C-T. GRCh37 (hg19) VCF-style: chr17-29483111-C-T.
Other names: c.171C>T, p.Gly57= (NM_000267.4, NM_001128147.3).
Identifiers: ClinVar variation 230688 (VCV000230688.18), dbSNP rs876658709, ClinGen allele CA10580183.
Genomic context (GRCh38, chr17:31,156,093, plus strand): 5'-GCACAACAAGGAATGTCTAATCAATATTTCCAAATACAAGTTTTCTTTGGTTATAAGCGG[C>T]CTCACTACTATTTTAAAGAATGTTAACAATATGGTGAGTATTTGGGTTACTGTGTTTTGG-3'
Protein context (NP_001035957.1, residues 47-67): SKYKFSLVIS[Gly57=]LTTILKNVNN

ClinVar aggregate classification (germline): Benign/Likely benign. Review status: criteria provided, multiple submitters, no conflicts (2 of 4 stars). 5 submissions from 5 submitters: Benign (1); Likely benign (4). Last evaluated 2026-05-14.

Conditions:
Neurofibromatosis, type 1 (NF1). Also called: NEUROFIBROMATOSIS, TYPE I, SOMATIC; Neurofibromatosis, type I; VON RECKLINGHAUSEN DISEASE; Peripheral type neurofibromatosis. Identifiers: Orphanet 636, MedGen C0027831, MONDO:0018975, OMIM 162200. Disease mechanism: loss of function.
Hereditary cancer-predisposing syndrome. Also called: Hereditary neoplastic syndrome; Neoplastic Syndromes, Hereditary; Hereditary Cancer Syndrome; Tumor predisposition. Identifiers: Orphanet 140162, MedGen C0027672, MeSH D009386, MONDO:0015356.

Allele frequency attached by ClinVar (database versions not stated): gnomAD 0.00002; TOPMed 0.00002.
gnomAD v4.1: 9 of 1,613,304 alleles (0.00056%); highest among the groups gnomAD compares: African/African-American, 0.0013%; no homozygotes.

Submissions (5):

Myriad Genetics, Inc.
Classification: Benign for Neurofibromatosis, type 1. Last evaluated: 2026-05-14. Review status: criteria provided, single submitter. Criteria: Myriad Autosomal Dominant, Autosomal Recessive and X-Linked Classification Criteria (2023). Collection method: clinical testing. Allele origin: unknown.
Comment: This variant is considered benign. This variant is a silent/synonymous amino acid change and it is not expected to impact splicing.

Labcorp Genetics (formerly Invitae), Labcorp
Classification: Likely benign for Neurofibromatosis, type 1. Last evaluated: 2025-12-09. Review status: criteria provided, single submitter. Criteria: Invitae Variant Classification Sherloc (09022015). Collection method: clinical testing. Allele origin: germline.

Genome-Nilou Lab
Classification: Likely benign for Neurofibromatosis, type 1. Last evaluated: 2022-03-15. Review status: criteria provided, single submitter. Criteria: ACMG Guidelines, 2015. Collection method: clinical testing. Allele origin: germline. Affected: no.

GeneDx
Classification: Likely benign. Last evaluated: 2020-09-16. Review status: criteria provided, single submitter. Criteria: GeneDx Variant Classification Process June 2021. Collection method: clinical testing. Allele origin: germline. Affected: yes.

Ambry Genetics
Classification: Likely benign for Hereditary cancer-predisposing syndrome. Last evaluated: 2015-03-10. Review status: criteria provided, single submitter. Criteria: Ambry Autosomal Dominant and X-Linked criteria (10/2015). Collection method: clinical testing. Allele origin: germline. Observed: 1 variant allele.